The following is an entry in ClinVar:

ClinVar aggregate classification (germline): Likely pathogenic (1 of 4 stars; one submission).

Allele frequency attached by ClinVar (database versions not stated): gnomAD exomes below 0.00001.
gnomAD v4.1: 1 of 1,613,884 alleles (0.000062%); highest among the groups gnomAD compares: Non-Finnish European, 0.000085%; no homozygotes.

Submission:

Institute for Clinical Genetics, University Hospital TU Dresden, University Hospital TU Dresden
Classification: Likely pathogenic. Last evaluated: 2023-03-28. Review status: criteria provided, single submitter. Criteria: ACMG Guidelines, 2015. Collection method: clinical testing. Allele origin: germline.
Comment: PVS1, PM2_SUP

NM_003221.4(TFAP2B):c.595A>T (p.Lys199Ter)

Gene: TFAP2B (transcription factor AP-2 beta; plus strand). Cytogenetic location: 6p12.3.
Variant type: single nucleotide variant.
Coding change: c.595A>T on transcript NM_003221.4 (MANE Select); coding-DNA position 595, A replaced by T.
Protein change: p.Lys199Ter; replaces lysine 199 with a stop codon.
Molecular consequence: nonsense.
Genome position (GRCh38, 1-based): chr6:50,828,673, A>T. VCF-style: chr6-50828673-A-T. GRCh37 (hg19) VCF-style: chr6-50796386-A-T.
Other names: short protein forms K199*.
Identifiers: ClinVar variation 2576106 (VCV002576106.1), dbSNP rs2533123850, ClinGen allele CA364413957.